The following is an entry in ClinVar:

ClinVar aggregate classification (germline): Uncertain significance (1 of 4 stars; one submission).

Conditions:
Autosomal recessive limb-girdle muscular dystrophy type 2O. Also called: Limb-Girdle Muscular Dystrophy Type 3C; MUSCULAR DYSTROPHY-DYSTROGLYCANOPATHY (LIMB-GIRDLE), TYPE C, 3; MUSCULAR DYSTROPHY-DYSTROGLYCANOPATHY, LIMB-GIRDLE, POMGNT1-RELATED. Identifiers: Orphanet 206564, MedGen C3150417, MONDO:0013161, OMIM 613157.
Muscular dystrophy-dystroglycanopathy (congenital with impaired intellectual development), type B, 3. Also called: MUSCULAR DYSTROPHY, CONGENITAL, POMGNT1-RELATED; Muscular dystrophy-dystroglycanopathy (congenital with intellectual disability), type B3. Identifiers: MedGen C3150412, MONDO:0013155, OMIM 613151.

Allele frequency attached by ClinVar (database versions not stated): gnomAD exomes below 0.00001; ExAC 0.00001.
gnomAD v4.1: 3 of 1,614,004 alleles (0.00019%); highest among the groups gnomAD compares: Non-Finnish European, 0.00025%; no homozygotes.

Submission:

Labcorp Genetics (formerly Invitae), Labcorp
Classification: Uncertain significance for Autosomal recessive limb-girdle muscular dystrophy type 2O; Muscular dystrophy-dystroglycanopathy (congenital with impaired intellectual development), type B, 3. Last evaluated: 2022-07-12. Review status: criteria provided, single submitter. Criteria: Invitae Variant Classification Sherloc (09022015). Collection method: clinical testing. Allele origin: germline.
Comment: This sequence change replaces isoleucine, which is neutral and non-polar, with valine, which is neutral and non-polar, at codon 134 of the POMGNT1 protein (p.Ile134Val). This variant is present in population databases (rs771101711, gnomAD 0.0009%). This variant has not been reported in the literature in individuals affected with POMGNT1-related conditions. ClinVar contains an entry for this variant (Variation ID: 1401310). Advanced modeling of protein sequence and biophysical properties (such as structural, functional, and spatial information, amino acid conservation, physicochemical variation, residue mobility, and thermodynamic stability) performed at Invitae indicates that this missense variant is not expected to disrupt POMGNT1 protein function. In summary, the available evidence is currently insufficient to determine the role of this variant in disease. Therefore, it has been classified as a Variant of Uncertain Significance.

NM_017739.4(POMGNT1):c.400A>G (p.Ile134Val)

Genes: POMGNT1 (protein O-linked mannose N-acetylglucosaminyltransferase 1 (beta 1,2-); minus strand), TSPAN1 (tetraspanin 1; plus strand). Cytogenetic location: 1p34.1.
Variant type: single nucleotide variant.
Coding change: c.400A>G on transcript NM_017739.4 (MANE Select); coding-DNA position 400, A replaced by G.
Protein change: p.Ile134Val; replaces isoleucine 134 with valine.
Molecular consequence: missense variant. On other transcripts: 5 prime UTR variant (1).
Genome position (GRCh38, 1-based): chr1:46,196,032, T>C on the plus strand (A>G on the coding strand, the complement: POMGNT1 is on the minus strand). VCF-style: chr1-46196032-T-C. GRCh37 (hg19) VCF-style: chr1-46661704-T-C.
Other names: c.400A>G, p.Ile134Val (NM_001243766.2, NM_001410783.1); c.334A>G, p.Ile112Val (NM_001290129.3); c.-30A>G (NM_001290130.2); short protein forms I112V, I134V.
Identifiers: ClinVar variation 1401310 (VCV001401310.5), dbSNP rs771101711, ClinGen allele CA833752.